The following is an entry in ClinVar:

NM_001042492.3(NF1):c.1392+754T>C

Gene: NF1 (neurofibromin 1; plus strand). Cytogenetic location: 17q11.2.
Variant type: single nucleotide variant.
Coding change: c.1392+754T>C on transcript NM_001042492.3 (MANE Select); 754 bases into the intron after coding-DNA position 1392, T replaced by C.
Molecular consequence: intron variant.
Genome position (GRCh38, 1-based): chr17:31,207,125, T>C. VCF-style: chr17-31207125-T-C. GRCh37 (hg19) VCF-style: chr17-29534143-T-C.
Other names: c.1392+754T>C (NM_001042492.2, NM_000267.4, NM_001128147.3).
Identifiers: ClinVar variation 2820587 (VCV002820587.4), dbSNP rs576036418, ClinGen allele CA289352914.
Genomic context (GRCh38, chr17:31,207,125, plus strand): 5'-CAAGAGCAACTCTTGACATTGATTGGTGGTGCTTTGTCTTCTGCTTCTTATTTTCTATTA[T>C]TGGCTGCTGTCGCTCACATGATCAGATGCCAACCAGTCACTGTTTTGCATGGCAGTGGGC-3'

ClinVar aggregate classification (germline): Likely benign. Review status: criteria provided, multiple submitters, no conflicts (2 of 4 stars). 2 submissions from 2 submitters: Likely benign (2). Last evaluated 2025-04-14.

Conditions:
Neurofibromatosis, type 1 (NF1). Also called: VON RECKLINGHAUSEN DISEASE; NEUROFIBROMATOSIS, TYPE I, SOMATIC; Neurofibromatosis, type I; Peripheral type neurofibromatosis. Identifiers: Orphanet 636, MedGen C0027831, MONDO:0018975, OMIM 162200. Disease mechanism: loss of function.
NF1-related disorder. Also called: NF1-related condition. Identifiers: MedGen CN379171.

Allele frequency attached by ClinVar (database versions not stated): gnomAD 0.00003; TOPMed 0.00003; 1000 Genomes Project 0.00040; 1000 Genomes Project 30x 0.00062.
gnomAD v4.1: 5 of 152,310 alleles (0.0033%); highest among the groups gnomAD compares: Admixed American, 0.033%; no homozygotes.

Submissions (2):

PreventionGenetics, part of Exact Sciences
Classification: Likely benign for NF1-related condition. Last evaluated: 2025-04-14. Review status: criteria provided, single submitter. Criteria: ACMG Guidelines, 2015. Collection method: clinical testing. Allele origin: germline.
Comment: This variant is classified as likely benign based on ACMG/AMP sequence variant interpretation guidelines (Richards et al. 2015 PMID: 25741868, with internal and published modifications).

Labcorp Genetics (formerly Invitae), Labcorp
Classification: Likely benign for Neurofibromatosis, type 1. Last evaluated: 2024-09-04. Review status: criteria provided, single submitter. Criteria: Invitae Variant Classification Sherloc (09022015). Collection method: clinical testing. Allele origin: germline.